The following is an entry in ClinVar:

ClinVar aggregate classification (germline): Pathogenic. Review status: criteria provided, single submitter (1 of 4 stars). 2 submissions from 2 submitters: Pathogenic (1). 1 of the submissions does not count toward it. Last evaluated 2023-12-08.

Conditions:
Niemann-Pick disease, type C (NPC). Identifiers: Orphanet 646, MedGen C0220756, MONDO:0018982.
Niemann-Pick disease, type C1. Also called: NEUROVISCERAL STORAGE DISEASE WITH VERTICAL SUPRANUCLEAR OPHTHALMOPLEGIA; NIEMANN-PICK DISEASE WITH CHOLESTEROL ESTERIFICATION BLOCK; NIEMANN-PICK DISEASE WITHOUT SPHINGOMYELINASE DEFICIENCY; NIEMANN-PICK DISEASE, CHRONIC NEURONOPATHIC FORM; NIEMANN-PICK DISEASE, VARIANT TYPE C1. Identifiers: Orphanet 646, MedGen C3179455, MONDO:0009757, OMIM 257220.

Submissions (2):

Women's Health and Genetics/Laboratory Corporation of America, LabCorp
Classification: Pathogenic for Niemann-Pick disease, type C. Last evaluated: 2023-12-08. Review status: criteria provided, single submitter. Criteria: LabCorp Variant Classification Summary - May 2015. Collection method: clinical testing. Allele origin: germline.
Comment: Variant summary: NPC1 c.1711delT (p.Tyr571IlefsX21) results in a premature termination codon, predicted to cause a truncation of the encoded protein or absence of the protein due to nonsense mediated decay, which are commonly known mechanisms for disease. Variants downstream of this position have been classified as pathogenic by our laboratory. The variant was absent in 251368 control chromosomes (gnomAD). To our knowledge, no occurrence of c.1711delT in individuals affected with Niemann-Pick Disease Type C and no experimental evidence demonstrating its impact on protein function have been reported. One submitter has cited clinical-significance assessments for this variant to ClinVar after 2014 and has classified the variant as likely pathogenic. Based on the evidence outlined above, the variant was classified as pathogenic.

Counsyl
Classification: Likely pathogenic for Niemann-Pick disease, type C1. Last evaluated: 2016-11-11. Review status: no assertion criteria provided. Collection method: clinical testing. Allele origin: unknown. Not counted in ClinVar's aggregate classification.

NM_000271.5(NPC1):c.1711del (p.Tyr571fs)

Gene: NPC1 (NPC intracellular cholesterol transporter 1; minus strand). Cytogenetic location: 18q11.2.
Variant type: Deletion.
Coding change: c.1711del on transcript NM_000271.5 (MANE Select); coding-DNA position 1711, one base deleted (T; older notation c.1711delT).
Protein change: p.Tyr571fs; shifts the reading frame from tyrosine 571.
Molecular consequence: frameshift variant.
Genome position (GRCh38, 1-based): chr18:23,548,052, A deleted on the plus strand (T on the coding strand, the reverse complement: NPC1 is on the minus strand). VCF-style (leftmost placement, unchanged base first): chr18-23548051-TA-T. GRCh37 (hg19) VCF-style: chr18-21128015-TA-T.
Other names: c.1711delT (NM_000271.5); short protein forms Y571fs.
Identifiers: ClinVar variation 371675 (VCV000371675.4), dbSNP rs1057517455, ClinGen allele CA16041915.
Genomic context (GRCh38, chr18:23,548,051, plus strand): 5'-CCATGAGTGACTCACTCTTTTTCCCAGGCCTGGGCCCTCTGGAGCTTCTCTGTATCATTA[TA>T]GTAATTATTGACAGGGAAGGTAATCACAAGGGCAGTGGCGTTATTGTAGTTTTGATCTAG-3'